The following is an entry in ClinVar:

NM_005204.4(MAP3K8):c.906G>A (p.Arg302=)

Gene: MAP3K8 (mitogen-activated protein kinase kinase kinase 8; plus strand). Cytogenetic location: 10p11.23.
Variant type: single nucleotide variant.
Coding change: c.906G>A on transcript NM_005204.4 (MANE Select); coding-DNA position 906, G replaced by A.
Protein change: p.Arg302=; no amino-acid change (arginine 302 retained).
Molecular consequence: synonymous variant.
Genome position (GRCh38, 1-based): chr10:30,458,116, G>A. VCF-style: chr10-30458116-G-A. GRCh37 (hg19) VCF-style: chr10-30747045-G-A.
Other names: c.906G>A, p.Arg302= (NM_001244134.1, NM_001320961.2).
Identifiers: ClinVar variation 3053061 (VCV003053061.2), dbSNP rs1437312394, ClinGen allele CA468787825.
Genomic context (GRCh38, chr10:30,458,116, plus strand): 5'-AGCTGAATGTTTCCCACTTCTTTTTCAGATTTACATGAGCCCAGAGGTCATCCTGTGCAG[G>A]GGCCATTCAACCAAAGCAGACATCTACAGCCTGGGGGCCACGCTCATCCACATGCAGACG-3'
Protein context (NP_005195.2, residues 292-312): IYMSPEVILC[Arg302=]GHSTKADIYS

ClinVar aggregate classification (germline): Likely benign (0 of 4 stars; one submission).

Conditions:
MAP3K8-related disorder. Also called: MAP3K8-related condition.

Allele frequency attached by ClinVar (database versions not stated): gnomAD exomes below 0.00001.
gnomAD v4.1: 5 of 1,589,962 alleles (0.00031%); highest among the groups gnomAD compares: Non-Finnish European, 0.00043%; no homozygotes.

Submission:

PreventionGenetics, part of Exact Sciences
Classification: Likely benign for MAP3K8-related condition. Last evaluated: 2023-01-30. Review status: no assertion criteria provided. Collection method: clinical testing. Allele origin: germline.
Comment: This variant is classified as likely benign based on ACMG/AMP sequence variant interpretation guidelines (Richards et al. 2015 PMID: 25741868, with internal and published modifications).